The following is an entry in ClinVar:

ClinVar aggregate classification (germline): Uncertain significance (1 of 4 stars; one submission).

Submission:

GeneDx
Classification: Uncertain significance. Last evaluated: 2016-11-11. Review status: criteria provided, single submitter. Criteria: GeneDx Variant Classification (06012015). Collection method: clinical testing. Allele origin: germline. Affected: yes.
Comment: The K31N variant has not been published as a pathogenic variant, nor has it been reported as a benign variant to our knowledge. It was not observed in approximately 6,500 individuals of European and African American ancestry in the NHLBI Exome Sequencing Project, indicating it is not a common benign variant in these populations. This substitution occurs at a position that is conserved across species. In silico analysis predicts this variant is probably damaging to the protein structure/function. The K31N variant is a semi-conservative amino acid substitution, which may impact secondary protein structure as these residues differ in some properties. Therefore, based on the currently available information, it is unclear whether this variant is a pathogenic variant or a rare benign variant.

NM_002397.5(MEF2C):c.93G>T (p.Lys31Asn)

Gene: MEF2C (myocyte enhancer factor 2C; minus strand). Cytogenetic location: 5q14.3.
Variant type: single nucleotide variant.
Coding change: c.93G>T on transcript NM_002397.5 (MANE Select); coding-DNA position 93, G replaced by T.
Protein change: p.Lys31Asn; replaces lysine 31 with asparagine.
Molecular consequence: missense variant.
Genome position (GRCh38, 1-based): chr5:88,804,763, C>A on the plus strand (G>T on the coding strand, the complement: MEF2C is on the minus strand). VCF-style: chr5-88804763-C-A. GRCh37 (hg19) VCF-style: chr5-88100580-C-A.
Other names: c.93G>T, p.Lys31Asn (NM_001131005.2, NM_001193347.1, NM_001193348.1 and 29 more transcripts); short protein forms K31N.
Identifiers: ClinVar variation 373377 (VCV000373377.1), dbSNP rs1057518382, ClinGen allele CA16042532.